The following is an entry in ClinVar:

ClinVar aggregate classification (germline): Benign. Review status: criteria provided, multiple submitters, no conflicts (2 of 4 stars). 4 submissions from 4 submitters: Benign (4). Last evaluated 2026-09-21.

Allele frequency attached by ClinVar (database versions not stated): ExAC 0.24003; 1000 Genomes Project 0.25839; 1000 Genomes Project 30x 0.26140; ESP Exome Variant Server 0.29302; gnomAD exomes 0.24699 and 0.23429; gnomAD 0.28108 and 0.28633; TOPMed 0.28229.

Submissions (4):

Molecular Diagnostic Laboratory for Inherited Cardiovascular Disease, Montreal Heart Institute
Classification: Benign. Last evaluated: 2026-09-21. Review status: criteria provided, single submitter. Criteria: ACMG Guidelines, 2015. Collection method: clinical testing. Allele origin: germline. Affected: no.
Comment: BA1

Labcorp Genetics (formerly Invitae), Labcorp
Classification: Benign. Last evaluated: 2026-02-03. Review status: criteria provided, single submitter. Criteria: Invitae Variant Classification Sherloc (09022015). Collection method: clinical testing. Allele origin: germline.

Blueprint Genetics
Classification: Benign. Last evaluated: 2024-11-27. Review status: criteria provided, single submitter. Criteria: ACMG Guidelines, 2015. Collection method: clinical testing. Allele origin: germline.

GeneDx
Classification: Benign. Last evaluated: 2015-03-03. Review status: criteria provided, single submitter. Criteria: GeneDx Variant Classification Process June 2021. Collection method: clinical testing. Allele origin: germline. Affected: yes.

NM_020745.4(AARS2):c.581+16T>C

Gene: AARS2 (alanyl-tRNA synthetase 2, mitochondrial; minus strand). Cytogenetic location: 6p21.1.
Variant type: single nucleotide variant.
Coding change: c.581+16T>C on transcript NM_020745.4 (MANE Select); 16 bases into the intron after coding-DNA position 581, T replaced by C.
Molecular consequence: intron variant.
Genome position (GRCh38, 1-based): chr6:44,311,374, A>G on the plus strand (T>C on the coding strand, the complement: AARS2 is on the minus strand). VCF-style: chr6-44311374-A-G. GRCh37 (hg19) VCF-style: chr6-44279111-A-G.
Other names: c.581+16T>C (NM_020745.3).
Identifiers: ClinVar variation 1168221 (VCV001168221.14), dbSNP rs9688508, ClinGen allele CA3834612.